The following is an entry in ClinVar:

NM_144643.4(SCLT1):c.1619A>G (p.Lys540Arg)

Gene: SCLT1 (sodium channel and clathrin linker 1; minus strand). Cytogenetic location: 4q28.2.
Variant type: single nucleotide variant.
Coding change: c.1619A>G on transcript NM_144643.4 (MANE Select); coding-DNA position 1619, A replaced by G.
Protein change: p.Lys540Arg; replaces lysine 540 with arginine.
Molecular consequence: missense variant.
Genome position (GRCh38, 1-based): chr4:128,943,009, T>C on the plus strand (A>G on the coding strand, the complement: SCLT1 is on the minus strand). VCF-style: chr4-128943009-T-C. GRCh37 (hg19) VCF-style: chr4-129864164-T-C.
Other names: c.1619A>G (NM_144643.3); short protein forms K540R.
Identifiers: ClinVar variation 2417313 (VCV002417313.4), dbSNP rs1043717124, ClinGen allele CA105718366.

ClinVar aggregate classification (germline): Uncertain significance. Review status: criteria provided, multiple submitters, no conflicts (2 of 4 stars). 2 submissions from 2 submitters: Uncertain significance (2). Last evaluated 2026-09-25.

Conditions:
SCLT1-related disorder. Also called: SCLT1-related condition.

Allele frequency attached by ClinVar (database versions not stated): TOPMed below 0.00001; gnomAD 0.00001; gnomAD exomes 0.00001.
gnomAD v4.1: 11 of 1,605,368 alleles (0.00069%); highest among the groups gnomAD compares: African/African-American, 0.015%; no homozygotes.

Submissions (2):

PreventionGenetics, part of Exact Sciences
Classification: Uncertain significance for SCLT1-related condition. Last evaluated: 2026-09-25. Review status: criteria provided, single submitter. Criteria: ACMG Guidelines, 2015. Collection method: clinical testing. Allele origin: germline.
Comment: The SCLT1 c.1619A>G variant is predicted to result in the amino acid substitution p.Lys540Arg. To our knowledge, this variant has not been reported in the literature. This variant is reported in 0.016% of alleles in individuals of African descent in gnomAD. At this time, the clinical significance of this variant is uncertain due to the absence of conclusive functional and genetic evidence.

Labcorp Genetics (formerly Invitae), Labcorp
Classification: Uncertain significance. Last evaluated: 2022-08-27. Review status: criteria provided, single submitter. Criteria: Invitae Variant Classification Sherloc (09022015). Collection method: clinical testing. Allele origin: germline.
Comment: This sequence change replaces lysine, which is basic and polar, with arginine, which is basic and polar, at codon 540 of the SCLT1 protein (p.Lys540Arg). This variant is present in population databases (no rsID available, gnomAD 0.02%). This variant has not been reported in the literature in individuals affected with SCLT1-related conditions. Algorithms developed to predict the effect of missense changes on protein structure and function are either unavailable or do not agree on the potential impact of this missense change (SIFT: "Tolerated"; PolyPhen-2: "Possibly Damaging"; Align-GVGD: "Class C0"). In summary, the available evidence is currently insufficient to determine the role of this variant in disease. Therefore, it has been classified as a Variant of Uncertain Significance.